The following is an entry in ClinVar:

ClinVar aggregate classification (germline): Uncertain significance (1 of 4 stars; one submission).

Allele frequency attached by ClinVar (database versions not stated): gnomAD exomes below 0.00001.
gnomAD v4.1: 6 of 1,613,314 alleles (0.00037%); highest among the groups gnomAD compares: Non-Finnish European, 0.00034%; no homozygotes.

Submission:

Labcorp Genetics (formerly Invitae), Labcorp
Classification: Uncertain significance. Last evaluated: 2025-08-29. Review status: criteria provided, single submitter. Criteria: Invitae Variant Classification Sherloc (09022015). Collection method: clinical testing. Allele origin: germline.
Comment: This sequence change replaces isoleucine, which is neutral and non-polar, with threonine, which is neutral and polar, at codon 533 of the ERBB4 protein (p.Ile533Thr). This variant is not present in population databases (gnomAD no frequency). This variant has not been reported in the literature in individuals affected with ERBB4-related conditions. ClinVar contains an entry for this variant (Variation ID: 1955585). Invitae Evidence Modeling of protein sequence and biophysical properties (such as structural, functional, and spatial information, amino acid conservation, physicochemical variation, residue mobility, and thermodynamic stability) indicates that this missense variant is not expected to disrupt ERBB4 protein function with a negative predictive value of 80%. In summary, the available evidence is currently insufficient to determine the role of this variant in disease. Therefore, it has been classified as a Variant of Uncertain Significance.

NM_005235.3(ERBB4):c.1598T>C (p.Ile533Thr)

Gene: ERBB4 (erb-b2 receptor tyrosine kinase 4; minus strand). Cytogenetic location: 2q34.
Variant type: single nucleotide variant.
Coding change: c.1598T>C on transcript NM_005235.3 (MANE Select); coding-DNA position 1598, T replaced by C.
Protein change: p.Ile533Thr; replaces isoleucine 533 with threonine.
Molecular consequence: missense variant.
Genome position (GRCh38, 1-based): chr2:211,679,076, A>G on the plus strand (T>C on the coding strand, the complement: ERBB4 is on the minus strand). VCF-style: chr2-211679076-A-G. GRCh37 (hg19) VCF-style: chr2-212543801-A-G.
Other names: c.1598T>C, p.Ile533Thr (NM_001042599.2); short protein forms I533T.
Identifiers: ClinVar variation 1955585 (VCV001955585.5), dbSNP rs1046844409, ClinGen allele CA64735237.